The following is an entry in ClinVar:

ClinVar aggregate classification (germline): Likely benign (0 of 4 stars; one submission).

Conditions:
SIM1-related disorder. Also called: SIM1-related condition; SIM1-related disorders.

gnomAD v4.1: 5 of 1,614,238 alleles (0.00031%); highest among the groups gnomAD compares: Non-Finnish European, 0.00042%; no homozygotes.

Submission:

PreventionGenetics, part of Exact Sciences
Classification: Likely benign for SIM1-related condition. Last evaluated: 2020-08-26. Review status: no assertion criteria provided. Collection method: clinical testing. Allele origin: germline.
Comment: This variant is classified as likely benign based on ACMG/AMP sequence variant interpretation guidelines (Richards et al. 2015 PMID: 25741868, with internal and published modifications).

NM_005068.3(SIM1):c.897G>A (p.Ala299=)

Gene: SIM1 (SIM bHLH transcription factor 1; minus strand). Cytogenetic location: 6q16.3.
Variant type: single nucleotide variant.
Coding change: c.897G>A on transcript NM_005068.3 (MANE Select); coding-DNA position 897, G replaced by A.
Protein change: p.Ala299=; no amino-acid change (alanine 299 retained).
Molecular consequence: synonymous variant.
Genome position (GRCh38, 1-based): chr6:100,447,369, C>T on the plus strand (G>A on the coding strand, the complement: SIM1 is on the minus strand). VCF-style: chr6-100447369-C-T. GRCh37 (hg19) VCF-style: chr6-100895245-C-T.
Other names: c.897G>A, p.Ala299= (NM_001374769.1).
Identifiers: ClinVar variation 3351130 (VCV003351130.1).